The following is an entry in ClinVar:

NM_004357.5(CD151):c.277-5C>G

Gene: CD151 (CD151 molecule (Raph blood group); plus strand). Cytogenetic location: 11p15.5.
Variant type: single nucleotide variant.
Coding change: c.277-5C>G on transcript NM_004357.5 (MANE Select); 5 bases into the intron before coding-DNA position 277, C replaced by G.
Molecular consequence: intron variant.
Genome position (GRCh38, 1-based): chr11:836,764, C>G. VCF-style: chr11-836764-C-G. GRCh37 (hg19) VCF-style: chr11-836764-C-G.
Other names: c.277-5C>G (NM_139030.4, NM_139029.2, NM_001039490.2).
Identifiers: ClinVar variation 739567 (VCV000739567.11), dbSNP rs374490956, ClinGen allele CA5792136.
Genomic context (GRCh38, chr11:836,764, plus strand): 5'-CTGAGGTGCACTAGGTCTAGGCACTAGGCCTCAGAACAAGGGTGCCCTTGTGCTGCCCCC[C>G]CCAGTACTTCATCCTGCTCCTCATCATCTTTCTGCTGGAGATCATCGCTGGTATCCTCGC-3'

ClinVar aggregate classification (germline): Likely benign. Review status: criteria provided, single submitter (1 of 4 stars). 2 submissions from 2 submitters: Likely benign (1). 1 of the submissions does not count toward it. Last evaluated 2025-12-24.

Conditions:
CD151-related disorder. Also called: CD151-related condition.

Allele frequency attached by ClinVar (database versions not stated): 1000 Genomes Project 30x 0.00016; 1000 Genomes Project 0.00020; gnomAD 0.00029; TOPMed 0.00029; ESP Exome Variant Server 0.00077.
gnomAD v4.1: 94 of 1,612,662 alleles (0.0058%); highest among the groups gnomAD compares: African/African-American, 0.097%; no homozygotes.

Submissions (3):

Labcorp Genetics (formerly Invitae), Labcorp
Classification: Likely benign. Last evaluated: 2025-12-24. Review status: criteria provided, single submitter. Criteria: Invitae Variant Classification Sherloc (09022015). Collection method: clinical testing. Allele origin: germline.

PreventionGenetics, part of Exact Sciences
Classification: Likely benign for CD151-related condition. Last evaluated: 2024-04-18. Review status: no assertion criteria provided. Collection method: clinical testing. Allele origin: germline. Not counted in ClinVar's aggregate classification.
Comment: This variant is classified as likely benign based on ACMG/AMP sequence variant interpretation guidelines (Richards et al. 2015 PMID: 25741868, with internal and published modifications).

Dr. Peter K. Rogan Lab, Western University
No classification provided (evidence only). Condition: Gastric cancer. Review status: no classification provided. Collection method: in vitro. Allele origin: not applicable. Functional consequence: retained intron. Not counted in ClinVar's aggregate classification.